The following is an entry in ClinVar:

ClinVar aggregate classification (germline): Uncertain significance (1 of 4 stars; one submission).

Submission:

Dasa
Classification: Uncertain significance. Last evaluated: 2026-04-20. Review status: criteria provided, single submitter. Criteria: DASA Assertion Criteria. Collection method: clinical testing. Allele origin: germline.
Comment: NM_001382241.1(TNPO2):c.1040A>T (p.His347Leu) is a missense variant that results in the substitution of histidine with leucine. This variant is rare in population databases. The currently available literature and clinical evidence are not sufficient to establish a definitive association between this variant and the reported condition. Therefore, this variant is classified as a variant of uncertain significance.

NM_001382241.1(TNPO2):c.1040A>T (p.His347Leu)

Gene: TNPO2 (transportin 2; minus strand). Cytogenetic location: 19p13.13.
Variant type: single nucleotide variant.
Coding change: c.1040A>T on transcript NM_001382241.1 (MANE Select); coding-DNA position 1040, A replaced by T.
Protein change: p.His347Leu; replaces histidine 347 with leucine.
Molecular consequence: missense variant. On other transcripts: non-coding transcript variant (5).
Genome position (GRCh38, 1-based): chr19:12,711,373, T>A on the plus strand (A>T on the coding strand, the complement: TNPO2 is on the minus strand). VCF-style: chr19-12711373-T-A. GRCh37 (hg19) VCF-style: chr19-12822187-T-A.
Other names: c.1040A>T, p.His347Leu (NM_001136195.2, NM_001136196.2, NM_013433.5 and 7 more transcripts); short protein forms H347L.
Identifiers: ClinVar variation 4883637 (VCV004883637.2).